The following is an entry in ClinVar:

NM_000077.5(CDKN2A):c.9G>A (p.Pro3=)

Genes: CDKN2A (cyclin dependent kinase inhibitor 2A; minus strand), LOC130001603 (ATAC-STARR-seq lymphoblastoid silent region 19811; plus strand). Cytogenetic location: 9p21.3.
Variant type: single nucleotide variant.
Coding change: c.9G>A on transcript NM_000077.5; coding-DNA position 9, G replaced by A.
Protein change: p.Pro3=; no amino-acid change (proline 3 retained).
Molecular consequence: synonymous variant (on NM_000077.6). On other transcripts: intron variant (2).
Genome position (GRCh38, 1-based): chr9:21,974,819, C>T on the plus strand (G>A on the coding strand, the complement: CDKN2A is on the minus strand). VCF-style: chr9-21974819-C-T. GRCh37 (hg19) VCF-style: chr9-21974818-C-T.
Other names: c.9G>A, p.Pro3= (NM_000077.6, NM_001195132.2, NM_058197.5); c.-3-3611G>A (NM_001363763.2); c.194-3611G>A (NM_058195.4).
Identifiers: ClinVar variation 389468 (VCV000389468.43), dbSNP rs1057523441, ClinGen allele CA16605826.

ClinVar aggregate classification (germline): Benign/Likely benign. Review status: criteria provided, multiple submitters, no conflicts (2 of 4 stars). 7 submissions from 7 submitters: Benign (1); Likely benign (6). Last evaluated 2026-01-10.

Conditions:
Familial melanoma. Also called: Hereditary melanoma; Hereditary cutaneous melanoma. Identifiers: Orphanet 618, MedGen C1512419, MONDO:0018961.
Melanoma-pancreatic cancer syndrome. Identifiers: Orphanet 404560, MedGen C1838547, MONDO:0011713, OMIM 606719. Disease mechanism: loss of function.
Hereditary cancer-predisposing syndrome. Also called: Neoplastic Syndromes, Hereditary; Hereditary neoplastic syndrome; Tumor predisposition; Hereditary Cancer Syndrome. Identifiers: Orphanet 140162, MedGen C0027672, MeSH D009386, MONDO:0015356.

Allele frequency attached by ClinVar (database versions not stated): TOPMed below 0.00001; gnomAD 0.00001; gnomAD exomes 0.00001.
gnomAD v4.1: 12 of 1,598,072 alleles (0.00075%); highest among the groups gnomAD compares: Admixed American, 0.0017%; no homozygotes.

Submissions (7):

Labcorp Genetics (formerly Invitae), Labcorp
Classification: Likely benign for Familial melanoma. Last evaluated: 2026-01-10. Review status: criteria provided, single submitter. Criteria: Invitae Variant Classification Sherloc (09022015). Collection method: clinical testing. Allele origin: germline.

Myriad Genetics, Inc.
Classification: Benign for Melanoma-pancreatic cancer syndrome. Last evaluated: 2025-08-13. Review status: criteria provided, single submitter. Criteria: Myriad Autosomal Dominant, Autosomal Recessive and X-Linked Classification Criteria (2023). Collection method: clinical testing. Allele origin: unknown.
Comment: This variant is considered benign. This variant is a silent/synonymous amino acid change and it is not expected to impact splicing.

Blueprint Genetics
Classification: Likely benign. Last evaluated: 2023-11-28. Review status: criteria provided, single submitter. Criteria: ACMG Guidelines, 2015. Collection method: clinical testing. Allele origin: germline.

CeGaT Center for Human Genetics Tuebingen
Classification: Likely benign. Last evaluated: 2023-05-01. Review status: criteria provided, single submitter. Criteria: CeGaT Center For Human Genetics Tuebingen Variant Classification Criteria Version 2. Collection method: clinical testing. Allele origin: germline. Affected: yes. Observed: 1 variant allele.
Comment: CDKN2A: BP4, BP7

GeneDx
Classification: Likely benign. Last evaluated: 2021-01-25. Review status: criteria provided, single submitter. Criteria: GeneDx Variant Classification Process June 2021. Collection method: clinical testing. Allele origin: germline. Affected: yes.
Comment: Not observed in large population cohorts (Lek et al., 2016)

Color Diagnostics, LLC DBA Color Health
Classification: Likely benign for Hereditary cancer-predisposing syndrome. Last evaluated: 2016-10-24. Review status: criteria provided, single submitter. Criteria: ACMG Guidelines, 2015. Collection method: clinical testing. Allele origin: germline.

Ambry Genetics
Classification: Likely benign for Hereditary cancer-predisposing syndrome. Last evaluated: 2015-04-09. Review status: criteria provided, single submitter. Criteria: Ambry Variant Classification Scheme 2023. Collection method: clinical testing. Allele origin: germline.